The following is an entry in ClinVar:

ClinVar aggregate classification (germline): Uncertain significance. Review status: criteria provided, multiple submitters, no conflicts (2 of 4 stars). 2 submissions from 2 submitters: Uncertain significance (2). Last evaluated 2025-08-31.

Allele frequency attached by ClinVar (database versions not stated): TOPMed below 0.00001.

Submissions (2):

Ambry Genetics
Classification: Uncertain significance. Last evaluated: 2025-08-31. Review status: criteria provided, single submitter. Criteria: Ambry Variant Classification Scheme 2023. Collection method: clinical testing. Allele origin: germline.

Labcorp Genetics (formerly Invitae), Labcorp
Classification: Uncertain significance. Last evaluated: 2022-08-04. Review status: criteria provided, single submitter. Criteria: Invitae Variant Classification Sherloc (09022015). Collection method: clinical testing. Allele origin: germline.
Comment: In summary, the available evidence is currently insufficient to determine the role of this variant in disease. Therefore, it has been classified as a Variant of Uncertain Significance. Algorithms developed to predict the effect of missense changes on protein structure and function output the following: SIFT: "Tolerated"; PolyPhen-2: "Benign"; Align-GVGD: "Class C0". The serine amino acid residue is found in multiple mammalian species, which suggests that this missense change does not adversely affect protein function. This variant has not been reported in the literature in individuals affected with DEF6-related conditions. This variant is not present in population databases (gnomAD no frequency). This sequence change replaces threonine, which is neutral and polar, with serine, which is neutral and polar, at codon 176 of the DEF6 protein (p.Thr176Ser).

NM_022047.4(DEF6):c.527C>G (p.Thr176Ser)

Gene: DEF6 (DEF6 guanine nucleotide exchange factor; plus strand). Cytogenetic location: 6p21.31.
Variant type: single nucleotide variant.
Coding change: c.527C>G on transcript NM_022047.4 (MANE Select); coding-DNA position 527, C replaced by G.
Protein change: p.Thr176Ser; replaces threonine 176 with serine.
Molecular consequence: missense variant.
Genome position (GRCh38, 1-based): chr6:35,312,405, C>G. VCF-style: chr6-35312405-C-G. GRCh37 (hg19) VCF-style: chr6-35280182-C-G.
Other names: c.527C>G (NM_022047.3); short protein forms T176S.
Identifiers: ClinVar variation 1715010 (VCV001715010.6), dbSNP rs1444410607, ClinGen allele CA363763163.